The following is an entry in ClinVar:

NM_000179.3(MSH6):c.2764C>T (p.Arg922Ter)

Gene: MSH6 (mutS homolog 6; plus strand). Cytogenetic location: 2p16.3.
Variant type: single nucleotide variant.
Coding change: c.2764C>T on transcript NM_000179.3 (MANE Select); coding-DNA position 2764, C replaced by T.
Protein change: p.Arg922Ter; replaces arginine 922 with a stop codon.
Molecular consequence: nonsense.
Genome position (GRCh38, 1-based): chr2:47,800,747, C>T. VCF-style: chr2-47800747-C-T. GRCh37 (hg19) VCF-style: chr2-48027886-C-T.
Other names: c.2374C>T, p.Arg792Ter (NM_001281492.2); c.1858C>T, p.Arg620Ter (NM_001281493.2, NM_001281494.2); short protein forms R922*, R620*, R792*.
Identifiers: ClinVar variation 89314 (VCV000089314.50), dbSNP rs587779246, ClinGen allele CA010831.

ClinVar aggregate classification (germline): Pathogenic. Review status: reviewed by expert panel (3 of 4 stars). 15 submissions from 15 submitters: Pathogenic (1). 14 of the submissions do not count toward it. Last evaluated 2013-09-05.

Conditions:
Hereditary nonpolyposis colon cancer (HNPCC). Also called: Hereditary nonpolyposis colorectal cancer; Familial nonpolyposis colon cancer; Hereditary Nonpolyposis Colorectal Cancer Syndrome. Identifiers: Orphanet 443909, MedGen C1333990, MONDO:0018630. Disease mechanism: loss of function.
Hereditary nonpolyposis colorectal neoplasms. Identifiers: MedGen C0009405, MeSH D003123.
Gastric cancer. Also called: Stomach cancer; Malignant tumor of stomach. Identifiers: MedGen C0024623, MeSH D013274, MONDO:0001056, OMIM 613659, HP:0012126.
Lynch syndrome 5 (LYNCH5). Also called: Colorectal cancer, hereditary nonpolyposis, type 5; Hereditary non-polyposis colorectal cancer, type 5. Identifiers: Orphanet 144, MedGen C1833477, MONDO:0013710, OMIM 614350. Disease mechanism: loss of function.
Lynch syndrome. Identifiers: Orphanet 144, MedGen C4552100, MONDO:0005835. Disease mechanism: loss of function.
Hereditary cancer-predisposing syndrome. Also called: Hereditary Cancer Syndrome; Neoplastic Syndromes, Hereditary; Hereditary neoplastic syndrome; Tumor predisposition. Identifiers: Orphanet 140162, MedGen C0027672, MeSH D009386, MONDO:0015356.
Carcinoma of colon (CRC). Also called: Colon carcinoma; Colonic carcinoma. Identifiers: MedGen C0699790, MONDO:0002032.
Endometrial carcinoma. Also called: Endometrial carcinoma, somatic. Identifiers: MedGen C0476089, MONDO:0002447, OMIM 608089, HP:0012114.

Allele frequency attached by ClinVar (database versions not stated): gnomAD exomes below 0.00001; ExAC 0.00001.
gnomAD v4.1: 2 of 1,614,074 alleles (0.00012%); highest among the groups gnomAD compares: South Asian, 0.0011%; no homozygotes.

Submissions (15):

International Society for Gastrointestinal Hereditary Tumours (InSiGHT)
Classification: Pathogenic for Lynch Syndrome. Last evaluated: 2013-09-05. Review status: reviewed by expert panel. Criteria: Guidelines v1.9. Collection method: research. Allele origin: germline.
Comment: Coding sequence variation resulting in a stop codon

Classified with v1.9 guidelines

Labcorp Genetics (formerly Invitae), Labcorp
Classification: Pathogenic for Hereditary nonpolyposis colorectal neoplasms. Last evaluated: 2025-12-22. Review status: criteria provided, single submitter. Criteria: Invitae Variant Classification Sherloc (09022015). Collection method: clinical testing. Allele origin: germline. Not counted in ClinVar's aggregate classification.
Comment: This sequence change creates a premature translational stop signal (p.Arg922*) in the MSH6 gene. It is expected to result in an absent or disrupted protein product. Loss-of-function variants in MSH6 are known to be pathogenic (PMID: 18269114, 24362816). This variant is present in population databases (rs587779246, gnomAD 0.003%). This premature translational stop signal has been observed in individual(s) with colorectal cancer or breast cancer and Lynch syndrome (PMID: 21642682, 23733757, 28724667). Invitae Evidence Modeling of clinical and family history, age, sex, and reported ancestry of multiple individuals with this MSH6 variant has been performed. This variant is expected to be pathogenic with a positive predictive value of at least 99%. This is a validated machine learning model that incorporates the clinical features of 1,627,235 individuals referred to our laboratory for MSH6 testing. ClinVar contains an entry for this variant (Variation ID: 89314). For these reasons, this variant has been classified as Pathogenic.

GeneDx
Classification: Pathogenic. Last evaluated: 2025-08-07. Review status: criteria provided, single submitter. Criteria: GeneDx Variant Classification Process June 2021. Collection method: clinical testing. Allele origin: germline. Not counted in ClinVar's aggregate classification.
Comment: Observed in patients with Lynch-related cancers and tumor studies consistent with pathogenic variants in this gene (PMID: 21642682, 23733757, 27064304, 30521064); Not observed at significant frequency in large population cohorts (gnomAD); Nonsense variant predicted to result in protein truncation or nonsense mediated decay in a gene for which loss of function is a known mechanism of disease; Truncating variants in this gene are considered pathogenic by a well-established clinical consortium and/or database; This variant is associated with the following publications: (PMID: 32980694, 31830689, 29922827, 23733757, 27064304, 21642682, 29489754, 28724667, 30521064, 31491536, 26374070, 23700467, 34326862, 33309985, 36243179, 35449176, 33693762, 39400928, Tsukanov2023[CaseReport], 37307877)

Color Diagnostics, LLC DBA Color Health
Classification: Pathogenic for Hereditary cancer-predisposing syndrome. Last evaluated: 2025-06-03. Review status: criteria provided, single submitter. Criteria: ACMG Guidelines, 2015. Collection method: clinical testing. Allele origin: germline. Not counted in ClinVar's aggregate classification.
Comment: This variant changes 1 nucleotide in exon 4/10 of the MSH6 gene, creating a premature translation stop signal. This variant is expected to result in an absent or non-functional protein product. This variant has been reported in individuals affected with endometrial cancer, colorectal cancer and in individuals diagnosed with Lynch syndrome in the literature (PMID: 21642682, 23700467, 23733757, 27064304, 30521064, 33693762). This variant has been identified in 1/250966 chromosomes in the general population by the Genome Aggregation Database (gnomAD). Loss of MSH6 function is a known mechanism of disease. Based on the available evidence, this variant is classified as Pathogenic.

Center for Genomic Medicine, Rigshospitalet, Copenhagen University Hospital
Classification: Pathogenic. Last evaluated: 2025-03-04. Review status: criteria provided, single submitter. Criteria: ACMG Guidelines, 2015. Collection method: clinical testing. Allele origin: germline. Not counted in ClinVar's aggregate classification.

Ambry Genetics
Classification: Pathogenic for Hereditary cancer-predisposing syndrome. Last evaluated: 2024-09-05. Review status: criteria provided, single submitter. Criteria: Ambry Variant Classification Scheme 2023. Collection method: clinical testing. Allele origin: germline. Not counted in ClinVar's aggregate classification.
Comment: The p.R922* pathogenic mutation (also known as c.2764C>T), located in coding exon 4 of the MSH6 gene, results from a C to T substitution at nucleotide position 2764. This changes the amino acid from an arginine to a stop codon within coding exon 4. This alteration has been identified in multiple Lynch syndrome families (Bonadona V et al. JAMA 2011 Jun;305(22):2304-10; Sjursen W et al. Mol. Genet. Genomic Med. 2016 Jan 11;4(2):223-31; Jiang W et al. Int J Cancer, 2019 05;144:2161-2168; Post CCB et al. J Natl Cancer Inst, 2021 Mar). In addition to the clinical data presented in the literature, this alteration is expected to result in loss of function by premature protein truncation or nonsense-mediated mRNA decay. As such, this alteration is interpreted as a disease-causing mutation.

Myriad Genetics, Inc.
Classification: Pathogenic for Lynch syndrome 5. Last evaluated: 2023-08-18. Review status: criteria provided, single submitter. Criteria: Myriad Autosomal Dominant, Autosomal Recessive and X-Linked Classification Criteria (2023). Collection method: clinical testing. Allele origin: unknown. Not counted in ClinVar's aggregate classification.
Comment: This variant is considered pathogenic. This variant creates a termination codon and is predicted to result in premature protein truncation.

Revvity Omics, Revvity
Classification: Pathogenic. Last evaluated: 2022-10-01. Review status: criteria provided, single submitter. Criteria: ACMG Guidelines, 2015. Collection method: clinical testing. Allele origin: germline. Not counted in ClinVar's aggregate classification.

Women's Health and Genetics/Laboratory Corporation of America, LabCorp
Classification: Pathogenic for Hereditary nonpolyposis colon cancer. Last evaluated: 2022-07-25. Review status: criteria provided, single submitter. Criteria: LabCorp Variant Classification Summary - May 2015. Collection method: clinical testing. Allele origin: germline. Not counted in ClinVar's aggregate classification.
Comment: Variant summary: MSH6 c.2764C>T (p.Arg922X) results in a premature termination codon, predicted to cause a truncation of the encoded protein or absence of the protein due to nonsense mediated decay, which are commonly known mechanisms for disease. Truncations downstream of this position have been classified as pathogenic by our laboratory. The variant allele was found at a frequency of 4e-06 in 250966 control chromosomes (gnomAD). c.2764C>T has been reported in the literature in multiple individuals affected with Hereditary Nonpolyposis Colorectal Cancer, colorectal cancer, and Lynch syndrome (examples: Bonadona_2011, Ward_2013 and Sjursen_2015). These data indicate that the variant is very likely to be associated with disease. Five submitters have provided clinical-significance assessments for this variant to ClinVar after 2014 and all classified the variant as pathogenic. Based on the evidence outlined above, the variant was classified as pathogenic.

Genetics and Molecular Pathology, SA Pathology
Classification: Pathogenic for Lynch syndrome 5. Last evaluated: 2022-05-13. Review status: criteria provided, single submitter. Criteria: ACMG Guidelines, 2015. Collection method: clinical testing. Allele origin: germline. Affected: yes. Not counted in ClinVar's aggregate classification.
Comment: The MSH6 c.2764C>T variant is classified as Pathogenic (PVS1, PS4_Moderate, PM2)

Baylor Genetics
Classification: Pathogenic for Endometrial carcinoma. Last evaluated: 2021-06-29. Review status: criteria provided, single submitter. Criteria: ACMG Guidelines, 2015. Collection method: clinical testing. Allele origin: unknown. Not counted in ClinVar's aggregate classification.

GeneKor MSA
Classification: Pathogenic for Hereditary cancer-predisposing syndrome. Last evaluated: 2021-01-09. Review status: criteria provided, single submitter. Criteria: ACMG Guidelines, 2015. Collection method: clinical testing. Allele origin: germline. Affected: yes. Not counted in ClinVar's aggregate classification.

Institute of Human Genetics, University of Leipzig Medical Center
Classification: Pathogenic for Lynch syndrome 5. Last evaluated: 2019-01-01. Review status: criteria provided, single submitter. Criteria: ACMG Guidelines, 2015. Collection method: clinical testing. Allele origin: unknown. Affected: no. Not counted in ClinVar's aggregate classification.

Laboratory for Genotyping Development, RIKEN
Classification: Pathogenic for Gastric cancer. Last evaluated: 2021-07-01. Review status: no assertion criteria provided. Collection method: research. Allele origin: germline. Not counted in ClinVar's aggregate classification.

Department of Pathology and Laboratory Medicine, Sinai Health System
Classification: Pathogenic for Carcinoma of colon. Review status: no assertion criteria provided. Collection method: clinical testing. Allele origin: unknown. Affected: yes. Study: The Canadian Open Genetics Repository (COGR). Not counted in ClinVar's aggregate classification.
Comment: The MSH6 p.Arg922* variant was identified in 5 of 2856 proband chromosomes (frequency: 0.002) from individuals or families with Lynch syndrome or colorectal cancer (Bonadona 2011, Han 2013, Sjursen 2016). The variant was also identified in the following databases: dbSNP (ID: rs587779246) as "With Pathogenic allele", ClinVar (classified as pathogenic by InSight, Ambry Genetics, and one other clinical laboratory), Cosmic (3x in breast or large intestine tissue), UMD-LSDB (4x causal), and the Insight Hereditary Tumors database. The variant was not identified in the COGR, Zhejiang University Database, or Mismatch Repair Genes Variant database. The variant was identified in control databases in 1 of 245720 chromosomes at a frequency of 0.000004 (Genome Aggregation Database Feb 27, 2017). The variant was observed in the South Asian population in 1 of 30774 chromosomes (freq: 0.000032); it was not observed in the African, Other, Latino, European, Ashkenazi Jewish, East Asian, or Finnish populations. The c.2764C>T variant leads to a premature stop codon at position 922, which is predicted to lead to a truncated or absent protein and loss of function. Loss of function variants of the MSH6 gene are an established mechanism of disease in Lynch syndrome and is the type of variant expected to cause the disorder. In summary, based on the above information this variant meets our laboratoryâ€šÃ„Ã´s criteria to be classified as pathogenic.

Literature cited by the submitters: PubMed 18269114 (cited by Labcorp Genetics (formerly Invitae), Labcorp); PubMed 24362816 (cited by Labcorp Genetics (formerly Invitae), Labcorp); PubMed 21642682 (cited by 3 submitters); PubMed 23733757 (cited by 3 submitters); PubMed 28724667 (cited by Labcorp Genetics (formerly Invitae), Labcorp); PubMed 23700467 (cited by Color Diagnostics, LLC DBA Color Health and Women's Health and Genetics/Laboratory Corporation of America, LabCorp); PubMed 27064304 (cited by 3 submitters); PubMed 30521064 (cited by Color Diagnostics, LLC DBA Color Health and Ambry Genetics); PubMed 33693762 (cited by Color Diagnostics, LLC DBA Color Health and Ambry Genetics); PubMed 31491536 (cited by Ambry Genetics); PubMed 26374070 (cited by Women's Health and Genetics/Laboratory Corporation of America, LabCorp); PubMed 36988593 (cited by Laboratory for Genotyping Development, RIKEN).